The following is an entry in ClinVar:

ClinVar aggregate classification (germline): Uncertain significance (1 of 4 stars; one submission).

gnomAD v4.1: 1 of 1,551,582 alleles (0.000064%); no homozygotes.

Submission:

Labcorp Genetics (formerly Invitae), Labcorp
Classification: Uncertain significance. Last evaluated: 2025-12-14. Review status: criteria provided, single submitter. Criteria: Invitae Variant Classification Sherloc (09022015). Collection method: clinical testing. Allele origin: germline.
Comment: This sequence change replaces arginine, which is basic and polar, with serine, which is neutral and polar, at codon 1896 of the TET2 protein (p.Arg1896Ser). This variant is not present in population databases (gnomAD no frequency). This variant has not been reported in the literature in individuals affected with TET2-related conditions. An algorithm developed to predict the effect of missense changes on protein structure and function (PolyPhen-2) suggests that this variant is likely to be disruptive. Experimental studies have shown that this missense change affects TET2 function (PMID: 24697267, 30404004). In summary, the available evidence is currently insufficient to determine the role of this variant in disease. Therefore, it has been classified as a Variant of Uncertain Significance.

Literature cited by the submitters: PubMed 24697267; PubMed 30404004.

NM_001127208.3(TET2):c.5688G>T (p.Arg1896Ser)

Genes: TET2 (tet methylcytosine dioxygenase 2; plus strand), TET2-AS1 (TET2 antisense RNA 1; minus strand). Cytogenetic location: 4q24.
Variant type: single nucleotide variant.
Coding change: c.5688G>T on transcript NM_001127208.3 (MANE Select); coding-DNA position 5688, G replaced by T.
Protein change: p.Arg1896Ser; replaces arginine 1896 with serine.
Molecular consequence: missense variant.
Genome position (GRCh38, 1-based): chr4:105,276,198, G>T. VCF-style: chr4-105276198-G-T. GRCh37 (hg19) VCF-style: chr4-106197355-G-T.
Other names: short protein forms R1896S.
Identifiers: ClinVar variation 4733164 (VCV004733164.1).